The following is an entry in ClinVar:

ClinVar aggregate classification (germline): Uncertain significance (1 of 4 stars; one submission).

Conditions:
Intellectual developmental disorder, autosomal dominant 1. Also called: Intellectual disability, autosomal dominant 1; MBD5 Haploinsufficiency. Identifiers: Orphanet 228402, MedGen C1969562, MONDO:0007974, OMIM 156200.

Allele frequency attached by ClinVar (database versions not stated): gnomAD 0.00001; TOPMed 0.00001.

Submission:

Labcorp Genetics (formerly Invitae), Labcorp
Classification: Uncertain significance for Intellectual developmental disorder, autosomal dominant 1. Last evaluated: 2022-01-15. Review status: criteria provided, single submitter. Criteria: Invitae Variant Classification Sherloc (09022015). Collection method: clinical testing. Allele origin: germline.
Comment: In summary, the available evidence is currently insufficient to determine the role of this variant in disease. Therefore, it has been classified as a Variant of Uncertain Significance. Algorithms developed to predict the effect of missense changes on protein structure and function (SIFT, PolyPhen-2, Align-GVGD) all suggest that this variant is likely to be tolerated. This variant has not been reported in the literature in individuals affected with MBD5-related conditions. This variant is present in population databases (no rsID available, gnomAD 0.01%). This sequence change replaces glutamine, which is neutral and polar, with arginine, which is basic and polar, at codon 286 of the MBD5 protein (p.Gln286Arg).

NM_001378120.1(MBD5):c.857A>G (p.Gln286Arg)

Gene: MBD5 (methyl-CpG binding domain protein 5; plus strand). Cytogenetic location: 2q23.1.
Variant type: single nucleotide variant.
Coding change: c.857A>G on transcript NM_001378120.1 (MANE Select); coding-DNA position 857, A replaced by G.
Protein change: p.Gln286Arg; replaces glutamine 286 with arginine.
Molecular consequence: missense variant.
Genome position (GRCh38, 1-based): chr2:148,468,800, A>G. VCF-style: chr2-148468800-A-G. GRCh37 (hg19) VCF-style: chr2-149226369-A-G.
Other names: c.857A>G, p.Gln286Arg (NM_018328.5); short protein forms Q286R.
Identifiers: ClinVar variation 1937530 (VCV001937530.5), dbSNP rs1475946129, ClinGen allele CA348717861.